The following is an entry in ClinVar:

NM_005392.4(PHF2):c.-18GCGGC[4]

Gene: PHF2 (PHD finger protein 2; plus strand). Cytogenetic location: 9q22.31.
Variant type: Microsatellite.
Coding change: c.-18GCGGC[4] on transcript NM_005392.4 (MANE Select); four copies in a row of the 5-base unit GCGGC starting at c.-18; the reference has three copies in a row; one copy, 5 bases duplicated.
Molecular consequence: 5 prime UTR variant.
Genome position (GRCh38, 1-based): chr9:93,576,766-93,576,770, GCGGC duplicated; duplicating any 5 consecutive bases within chr9:93,576,756-93,576,770 gives the same sequence; the position shown is the placement nearest the transcript's 3' end. VCF-style (leftmost placement, unchanged base first): chr9-93576755-G-GGCGGC. GRCh37 (hg19) VCF-style: chr9-96339037-G-GGCGGC.
Identifiers: ClinVar variation 3044205 (VCV003044205.2), dbSNP rs1007572113, ClinGen allele CA196492524.

ClinVar aggregate classification (germline): Likely benign (0 of 4 stars; one submission).

Conditions:
PHF2-related disorder. Also called: PHF2-related condition.

Submission:

PreventionGenetics, part of Exact Sciences
Classification: Likely benign for PHF2-related condition. Last evaluated: 2019-05-28. Review status: no assertion criteria provided. Collection method: clinical testing. Allele origin: germline.
Comment: This variant is classified as likely benign based on ACMG/AMP sequence variant interpretation guidelines (Richards et al. 2015 PMID: 25741868, with internal and published modifications).